The following is an entry in ClinVar:

ClinVar aggregate classification (germline): Uncertain significance. Review status: criteria provided, multiple submitters, no conflicts (2 of 4 stars). 3 submissions from 3 submitters: Uncertain significance (3). Last evaluated 2025-04-10.

Conditions:
Renal cell carcinoma. Identifiers: Orphanet 217071, MedGen C0007134, MeSH D002292, MONDO:0005086, HP:0005584.
Hereditary cancer-predisposing syndrome. Also called: Tumor predisposition; Hereditary Cancer Syndrome; Hereditary neoplastic syndrome; Neoplastic Syndromes, Hereditary. Identifiers: Orphanet 140162, MedGen C0027672, MeSH D009386, MONDO:0015356.
Autosomal recessive nonsyndromic hearing loss 97. Also called: Deafness, autosomal recessive 97. Identifiers: Orphanet 90636, MedGen C4084709, MONDO:0014739, OMIM 616705.

Allele frequency attached by ClinVar (database versions not stated): TOPMed below 0.00001; gnomAD exomes 0.00001.
gnomAD v4.1: 3 of 1,614,104 alleles (0.00019%); highest among the groups gnomAD compares: Non-Finnish European, 0.00025%; no homozygotes.

Submissions (3):

Ambry Genetics
Classification: Uncertain significance for Hereditary cancer-predisposing syndrome. Last evaluated: 2025-04-10. Review status: criteria provided, single submitter. Criteria: Ambry Variant Classification Scheme 2023. Collection method: clinical testing. Allele origin: germline.
Comment: The p.L829Q variant (also known as c.2486T>A), located in coding exon 10 of the MET gene, results from a T to A substitution at nucleotide position 2486. The leucine at codon 829 is replaced by glutamine, an amino acid with dissimilar properties. In one study. this alteration was detected in 1/224 Brazilian breast cancer patients (Sandoval RL et al. PLoS One, 2021 Feb;16:e0247363). This amino acid position is highly conserved in available vertebrate species. In addition, this alteration is predicted to be deleterious by in silico analysis. Since supporting evidence is limited at this time, the clinical significance of this alteration remains unclear.

Labcorp Genetics (formerly Invitae), Labcorp
Classification: Uncertain significance for Renal cell carcinoma. Last evaluated: 2024-10-08. Review status: criteria provided, single submitter. Criteria: Invitae Variant Classification Sherloc (09022015). Collection method: clinical testing. Allele origin: germline.
Comment: This sequence change replaces leucine, which is neutral and non-polar, with glutamine, which is neutral and polar, at codon 829 of the MET protein (p.Leu829Gln). This variant is not present in population databases (gnomAD no frequency). This variant has not been reported in the literature in individuals affected with MET-related conditions. ClinVar contains an entry for this variant (Variation ID: 485768). Invitae Evidence Modeling of protein sequence and biophysical properties (such as structural, functional, and spatial information, amino acid conservation, physicochemical variation, residue mobility, and thermodynamic stability) has been performed for this missense variant. However, the output from this modeling did not meet the statistical confidence thresholds required to predict the impact of this variant on MET protein function. In summary, the available evidence is currently insufficient to determine the role of this variant in disease. Therefore, it has been classified as a Variant of Uncertain Significance.

Baylor Genetics
Classification: Uncertain significance for Autosomal recessive nonsyndromic hearing loss 97. Last evaluated: 2023-05-23. Review status: criteria provided, single submitter. Criteria: ACMG Guidelines, 2015. Collection method: clinical testing. Allele origin: unknown.

Literature cited by the submitters: PubMed 33606809 (cited by Ambry Genetics).

NM_000245.4(MET):c.2432T>A (p.Leu811Gln)

Gene: MET (MET proto-oncogene, receptor tyrosine kinase; plus strand). Cytogenetic location: 7q31.2.
Variant type: single nucleotide variant.
Coding change: c.2432T>A on transcript NM_000245.4 (MANE Select); coding-DNA position 2432, T replaced by A.
Protein change: p.Leu811Gln; replaces leucine 811 with glutamine.
Molecular consequence: missense variant.
Genome position (GRCh38, 1-based): chr7:116,763,117, T>A. VCF-style: chr7-116763117-T-A. GRCh37 (hg19) VCF-style: chr7-116403171-T-A.
Other names: c.2486T>A, p.Leu829Gln (NM_001127500.3); c.2432T>A, p.Leu811Gln (NM_001324401.3); c.1142T>A, p.Leu381Gln (NM_001324402.2); short protein forms L829Q, L381Q, L811Q.
Identifiers: ClinVar variation 485768 (VCV000485768.17), dbSNP rs1554396554, ClinGen allele CA368983162.